The following is an entry in ClinVar:

ClinVar aggregate classification (germline): Uncertain significance. Review status: criteria provided, multiple submitters, no conflicts (2 of 4 stars). 3 submissions from 3 submitters: Uncertain significance (3). Last evaluated 2026-01-05.

Conditions:
MYH6-related disorder. Also called: MYH6-related condition; MYH6-Related Disorders.
Cardiovascular phenotype. Identifiers: MedGen CN230736.
Hypertrophic cardiomyopathy 14. Identifiers: MedGen C2750467, MONDO:0013197, OMIM 613251.

Allele frequency attached by ClinVar (database versions not stated): TOPMed below 0.00001; gnomAD 0.00001; 1000 Genomes Project 30x 0.00016; 1000 Genomes Project 0.00020.
gnomAD v4.1: 2 of 1,613,522 alleles (0.00012%); highest among the groups gnomAD compares: East Asian, 0.0022%; no homozygotes.

Submissions (3):

Labcorp Genetics (formerly Invitae), Labcorp
Classification: Uncertain significance for Hypertrophic cardiomyopathy 14. Last evaluated: 2026-01-05. Review status: criteria provided, single submitter. Criteria: Invitae Variant Classification Sherloc (09022015). Collection method: clinical testing. Allele origin: germline.
Comment: This sequence change replaces glutamic acid, which is acidic and polar, with valine, which is neutral and non-polar, at codon 345 of the MYH6 protein (p.Glu345Val). This variant is not present in population databases (gnomAD no frequency). This variant has not been reported in the literature in individuals affected with MYH6-related conditions. ClinVar contains an entry for this variant (Variation ID: 574987). Invitae Evidence Modeling of protein sequence and biophysical properties (such as structural, functional, and spatial information, amino acid conservation, physicochemical variation, residue mobility, and thermodynamic stability) indicates that this missense variant is expected to disrupt MYH6 protein function with a positive predictive value of 80%. In summary, the available evidence is currently insufficient to determine the role of this variant in disease. Therefore, it has been classified as a Variant of Uncertain Significance.

PreventionGenetics, part of Exact Sciences
Classification: Uncertain significance for MYH6-related condition. Last evaluated: 2023-08-26. Review status: criteria provided, single submitter. Criteria: ACMG Guidelines, 2015. Collection method: clinical testing. Allele origin: germline.
Comment: The MYH6 c.1034A>T variant is predicted to result in the amino acid substitution p.Glu345Val. To our knowledge, this variant has not been reported in the literature or in a large population database, indicating this variant is rare. At this time, the clinical significance of this variant is uncertain due to the absence of conclusive functional and genetic evidence.

Ambry Genetics
Classification: Uncertain significance for Cardiovascular phenotype. Last evaluated: 2021-03-23. Review status: criteria provided, single submitter. Criteria: Ambry Variant Classification Scheme 2023. Collection method: clinical testing. Allele origin: germline.
Comment: The p.E345V variant (also known as c.1034A>T), located in coding exon 10 of the MYH6 gene, results from an A to T substitution at nucleotide position 1034. The glutamic acid at codon 345 is replaced by valine, an amino acid with dissimilar properties. This amino acid position is well conserved in available vertebrate species. In addition, the in silico prediction for this alteration is inconclusive. Since supporting evidence is limited at this time, the clinical significance of this alteration remains unclear.

NM_002471.4(MYH6):c.1034A>T (p.Glu345Val)

Gene: MYH6 (myosin heavy chain 6; minus strand). Cytogenetic location: 14q11.2.
Variant type: single nucleotide variant.
Coding change: c.1034A>T on transcript NM_002471.4 (MANE Select); coding-DNA position 1034, A replaced by T.
Protein change: p.Glu345Val; replaces glutamic acid 345 with valine.
Molecular consequence: missense variant.
Genome position (GRCh38, 1-based): chr14:23,402,571, T>A on the plus strand (A>T on the coding strand, the complement: MYH6 is on the minus strand). VCF-style: chr14-23402571-T-A. GRCh37 (hg19) VCF-style: chr14-23871780-T-A.
Other names: short protein forms E345V.
Identifiers: ClinVar variation 574987 (VCV000574987.9), dbSNP rs561344265, ClinGen allele CA257795122.